The following is an entry in ClinVar:

ClinVar aggregate classification (germline): Uncertain significance (1 of 4 stars; one submission).

Allele frequency attached by ClinVar (database versions not stated): gnomAD exomes below 0.00001; TOPMed 0.00001.
gnomAD v4.1: 1 of 1,610,180 alleles (0.000062%); highest among the groups gnomAD compares: African/African-American, 0.0013%; no homozygotes.

Submission:

Women's Health and Genetics/Laboratory Corporation of America, LabCorp
Classification: Uncertain significance. Last evaluated: 2023-02-25. Review status: criteria provided, single submitter. Criteria: LabCorp Variant Classification Summary - May 2015. Collection method: clinical testing. Allele origin: germline.
Comment: Variant summary: GLI2 c.4078G>C (p.Gly1360Arg) results in a non-conservative amino acid change in the encoded protein sequence. Three of five in-silico tools predict a benign effect of the variant on protein function. The variant was absent in 237860 control chromosomes (gnomAD). The available data on variant occurrences in the general population are insufficient to allow any conclusion about variant significance. To our knowledge, no occurrence of c.4078G>C in individuals affected with GLI2-Related Disorders and no experimental evidence demonstrating its impact on protein function have been reported. No clinical diagnostic laboratories have submitted clinical-significance assessments for this variant to ClinVar after 2014. Based on the evidence outlined above, the variant was classified as uncertain significance.

NM_001374353.1(GLI2):c.4027G>C (p.Gly1343Arg)

Gene: GLI2 (GLI family zinc finger 2; plus strand). Cytogenetic location: 2q14.2.
Variant type: single nucleotide variant.
Coding change: c.4027G>C on transcript NM_001374353.1 (MANE Select); coding-DNA position 4027, G replaced by C.
Protein change: p.Gly1343Arg; replaces glycine 1343 with arginine.
Molecular consequence: missense variant.
Genome position (GRCh38, 1-based): chr2:120,989,992, G>C. VCF-style: chr2-120989992-G-C. GRCh37 (hg19) VCF-style: chr2-121747568-G-C.
Other names: c.4078G>C, p.Gly1360Arg (NM_001371271.1, NM_005270.5); c.3652G>C, p.Gly1218Arg (NM_001374354.1); c.4078G>C (NM_005270.4); short protein forms G1218R, G1343R, G1360R.
Identifiers: ClinVar variation 2445971 (VCV002445971.1), dbSNP rs977003501, ClinGen allele CA54385702.